The following is an entry in ClinVar:

ClinVar aggregate classification (germline): Likely benign. Review status: criteria provided, multiple submitters, no conflicts (2 of 4 stars). 3 submissions from 3 submitters: Likely benign (2). 1 of the submissions does not count toward it. Last evaluated 2025-03-19.

Conditions:
PEX12-related disorder. Also called: PEX12-related disorders; PEX12-related condition.
Peroxisome biogenesis disorder 3A (Zellweger). Also called: PEROXISOMAL BIOGENESIS DISORDER 3A (ZELLWEGER); Peroxisome biogenesis disorder 3A. Identifiers: Orphanet 912, MedGen C3553929, MONDO:0013927, OMIM 614859.

Allele frequency attached by ClinVar (database versions not stated): gnomAD exomes 0.00001 and 0.00002; ExAC 0.00003; gnomAD 0.00003 and 0.00005; TOPMed 0.00005; ESP Exome Variant Server 0.00008.
gnomAD v4.1: 12 of 1,613,298 alleles (0.00074%); highest among the groups gnomAD compares: African/African-American, 0.016%; no homozygotes.

Submissions (3):

Labcorp Genetics (formerly Invitae), Labcorp
Classification: Likely benign for Peroxisome biogenesis disorder 3A (Zellweger). Last evaluated: 2025-03-19. Review status: criteria provided, single submitter. Criteria: Invitae Variant Classification Sherloc (09022015). Collection method: clinical testing. Allele origin: germline.

Blueprint Genetics
Classification: Likely benign. Last evaluated: 2022-11-14. Review status: criteria provided, single submitter. Criteria: ACMG Guidelines, 2015. Collection method: clinical testing. Allele origin: germline.

PreventionGenetics, part of Exact Sciences
Classification: Likely benign for PEX12-related condition. Last evaluated: 2024-04-17. Review status: no assertion criteria provided. Collection method: clinical testing. Allele origin: germline. Not counted in ClinVar's aggregate classification.
Comment: This variant is classified as likely benign based on ACMG/AMP sequence variant interpretation guidelines (Richards et al. 2015 PMID: 25741868, with internal and published modifications).

NM_000286.3(PEX12):c.156T>C (p.Tyr52=)

Gene: PEX12 (peroxisomal biogenesis factor 12; minus strand). Cytogenetic location: 17q12.
Variant type: single nucleotide variant.
Coding change: c.156T>C on transcript NM_000286.3 (MANE Select); coding-DNA position 156, T replaced by C.
Protein change: p.Tyr52=; no amino-acid change (tyrosine 52 retained).
Molecular consequence: synonymous variant.
Genome position (GRCh38, 1-based): chr17:35,577,562, A>G on the plus strand (T>C on the coding strand, the complement: PEX12 is on the minus strand). VCF-style: chr17-35577562-A-G. GRCh37 (hg19) VCF-style: chr17-33904581-A-G.
Other names: c.156T>C (NM_000286.2).
Identifiers: ClinVar variation 1123824 (VCV001123824.11), dbSNP rs373145272, ClinGen allele CA8504957.